The following is an entry in ClinVar:

NM_198060.4(NRAP):c.3178A>G (p.Ile1060Val)

Gene: NRAP (nebulin related anchoring protein; minus strand). Cytogenetic location: 10q25.3.
Variant type: single nucleotide variant.
Coding change: c.3178A>G on transcript NM_198060.4 (MANE Select); coding-DNA position 3178, A replaced by G.
Protein change: p.Ile1060Val; replaces isoleucine 1060 with valine.
Molecular consequence: missense variant.
Genome position (GRCh38, 1-based): chr10:113,614,847, T>C on the plus strand (A>G on the coding strand, the complement: NRAP is on the minus strand). VCF-style: chr10-113614847-T-C. GRCh37 (hg19) VCF-style: chr10-115374606-T-C.
Other names: c.3178A>G, p.Ile1060Val (NM_001261463.2); c.3070A>G, p.Ile1024Val (NM_001322945.2); c.3073A>G, p.Ile1025Val (NM_006175.5); short protein forms I1024V, I1025V, I1060V.
Identifiers: ClinVar variation 3895317 (VCV003895317.1), dbSNP rs138179101.

ClinVar aggregate classification (germline): Uncertain significance (1 of 4 stars; one submission).

Conditions:
Cardiovascular phenotype. Identifiers: MedGen CN230736.

Submission:

Molecular Diagnostic Laboratory for Inherited Cardiovascular Disease, Montreal Heart Institute
Classification: Uncertain significance for Cardiovascular phenotype. Last evaluated: 2025-04-09. Review status: criteria provided, single submitter. Criteria: ACMG Guidelines, 2015. Collection method: clinical testing. Allele origin: germline. Affected: yes.
Comment: PM2